The following is an entry in ClinVar:

NM_001113378.2(FANCI):c.2600C>T (p.Pro867Leu)

Gene: FANCI (FA complementation group I; plus strand). Cytogenetic location: 15q26.1.
Variant type: single nucleotide variant.
Coding change: c.2600C>T on transcript NM_001113378.2 (MANE Select); coding-DNA position 2600, C replaced by T.
Protein change: p.Pro867Leu; replaces proline 867 with leucine.
Molecular consequence: missense variant. On other transcripts: intron variant (1).
Genome position (GRCh38, 1-based): chr15:89,295,058, C>T. VCF-style: chr15-89295058-C-T. GRCh37 (hg19) VCF-style: chr15-89838289-C-T.
Other names: c.2321C>T, p.Pro774Leu (NM_001376910.1); c.2600C>T, p.Pro867Leu (NM_001376911.1); c.2456+1061C>T (NM_018193.3); short protein forms P774L, P867L.
Identifiers: ClinVar variation 3626634 (VCV003626634.2).
Genomic context (GRCh38, chr15:89,295,058, plus strand): 5'-TGCAGAAAGTACAGCAGCTAAAGGAAACAGGGCATGTGAGTGGCCCTGATGGCCAAAACC[C>T]AGAAAAGATCTTTCAGAACCTCTGTGACATAACTCGGTAAGCCACTCCCACCCCTTAGAA-3'
Protein context (NP_001106849.1, residues 857-877): GHVSGPDGQN[Pro867Leu]EKIFQNLCDI

ClinVar aggregate classification (germline): Uncertain significance (1 of 4 stars; one submission).

Conditions:
Fanconi anemia (FA). Also called: Fanconi's anemia. Identifiers: Orphanet 84, MedGen C0015625, MeSH D005199, MONDO:0019391.

gnomAD v4.1: 1 of 1,551,826 alleles (0.000064%); highest among the groups gnomAD compares: Non-Finnish European, 0.000087%; no homozygotes.

Submission:

Labcorp Genetics (formerly Invitae), Labcorp
Classification: Uncertain significance for Fanconi anemia. Last evaluated: 2024-04-22. Review status: criteria provided, single submitter. Criteria: Invitae Variant Classification Sherloc (09022015). Collection method: clinical testing. Allele origin: germline.
Comment: This sequence change replaces proline, which is neutral and non-polar, with leucine, which is neutral and non-polar, at codon 867 of the FANCI protein (p.Pro867Leu). This variant is not present in population databases (gnomAD no frequency). This variant has not been reported in the literature in individuals affected with FANCI-related conditions. Algorithms developed to predict the effect of missense changes on protein structure and function output the following: SIFT: "Not Available"; PolyPhen-2: "Benign"; Align-GVGD: "Not Available". The leucine amino acid residue is found in multiple mammalian species, which suggests that this missense change does not adversely affect protein function. In summary, the available evidence is currently insufficient to determine the role of this variant in disease. Therefore, it has been classified as a Variant of Uncertain Significance.